The following is an entry in ClinVar:

NM_138773.4(SLC25A46):c.439A>G (p.Met147Val)

Gene: SLC25A46 (solute carrier family 25 member 46; plus strand). Cytogenetic location: 5q22.1.
Variant type: single nucleotide variant.
Coding change: c.439A>G on transcript NM_138773.4 (MANE Select); coding-DNA position 439, A replaced by G.
Protein change: p.Met147Val; replaces methionine 147 with valine.
Molecular consequence: missense variant. On other transcripts: non-coding transcript variant (1).
Genome position (GRCh38, 1-based): chr5:110,746,323, A>G. VCF-style: chr5-110746323-A-G. GRCh37 (hg19) VCF-style: chr5-110082024-A-G.
Other names: c.439A>G, p.Met147Val (NM_001303249.3); c.166A>G, p.Met56Val (NM_001303250.3); short protein forms M56V, M147V.
Identifiers: ClinVar variation 2007655 (VCV002007655.4), dbSNP rs2150410381, ClinGen allele CA360694460.
Genomic context (GRCh38, chr5:110,746,323, plus strand): 5'-TTACAGGTTAATTACCATGCTCAGCATTACCATCTCACTCCATTTACAGTCATCAATATT[A>G]TGTACAGTTTCAACAAAACTCAGGTGAGAATTTTGTCTGGATTCTATTAAAGGTTTATAT-3'
Protein context (NP_620128.1, residues 137-157): HLTPFTVINI[Met147Val]YSFNKTQGPR

ClinVar aggregate classification (germline): Uncertain significance (1 of 4 stars; one submission).

Conditions:
Neuropathy, hereditary motor and sensory, type 6B (HMSN6B). Also called: HMSN VIB; CHARCOT-MARIE-TOOTH DISEASE, TYPE 6B; Neuropathy, hereditary motor and sensory, type VIB; NEUROPATHY, HEREDITARY MOTOR AND SENSORY, TYPE VIB, WITH OPTIC ATROPHY. Identifiers: MedGen C4225302, MONDO:0014671, OMIM 616505.

Submission:

Labcorp Genetics (formerly Invitae), Labcorp
Classification: Uncertain significance for Neuropathy, hereditary motor and sensory, type 6B. Last evaluated: 2022-06-17. Review status: criteria provided, single submitter. Criteria: Invitae Variant Classification Sherloc (09022015). Collection method: clinical testing. Allele origin: germline.
Comment: In summary, the available evidence is currently insufficient to determine the role of this variant in disease. Therefore, it has been classified as a Variant of Uncertain Significance. Algorithms developed to predict the effect of missense changes on protein structure and function (SIFT, PolyPhen-2, Align-GVGD) all suggest that this variant is likely to be tolerated. This variant has not been reported in the literature in individuals affected with SLC25A46-related conditions. This variant is not present in population databases (gnomAD no frequency). This sequence change replaces methionine, which is neutral and non-polar, with valine, which is neutral and non-polar, at codon 147 of the SLC25A46 protein (p.Met147Val).